The following is an entry in ClinVar:

NM_001377.3(DYNC2H1):c.10927G>A (p.Glu3643Lys)

Gene: DYNC2H1 (dynein cytoplasmic 2 heavy chain 1; plus strand). Cytogenetic location: 11q22.3.
Variant type: single nucleotide variant.
Coding change: c.10927G>A on transcript NM_001377.3 (MANE Select); coding-DNA position 10927, G replaced by A.
Protein change: p.Glu3643Lys; replaces glutamic acid 3643 with lysine.
Molecular consequence: missense variant.
Genome position (GRCh38, 1-based): chr11:103,286,291, G>A. VCF-style: chr11-103286291-G-A. GRCh37 (hg19) VCF-style: chr11-103157020-G-A.
Other names: c.10948G>A, p.Glu3650Lys (NM_001080463.2); short protein forms E3650K, E3643K.
Identifiers: ClinVar variation 1981042 (VCV001981042.3), dbSNP rs2496784805, ClinGen allele CA382258046.

ClinVar aggregate classification (germline): Uncertain significance (1 of 4 stars; one submission).

Conditions:
Jeune thoracic dystrophy. Also called: Jeune syndrome; Infantile thoracic dystrophy; Thoracic pelvic phalangeal dystrophy; Jeune's syndrome; Chondroectodermal dysplasia-like syndrome; Short-rib thoracic dysplasia. Identifiers: Orphanet 474, MedGen C0265275, MONDO:0018770.

Submission:

Labcorp Genetics (formerly Invitae), Labcorp
Classification: Uncertain significance for Jeune thoracic dystrophy. Last evaluated: 2024-11-05. Review status: criteria provided, single submitter. Criteria: Invitae Variant Classification Sherloc (09022015). Collection method: clinical testing. Allele origin: germline.
Comment: This sequence change replaces glutamic acid, which is acidic and polar, with lysine, which is basic and polar, at codon 3650 of the DYNC2H1 protein (p.Glu3650Lys). This variant is not present in population databases (gnomAD no frequency). This variant has not been reported in the literature in individuals affected with DYNC2H1-related conditions. ClinVar contains an entry for this variant (Variation ID: 1981042). Invitae Evidence Modeling of protein sequence and biophysical properties (such as structural, functional, and spatial information, amino acid conservation, physicochemical variation, residue mobility, and thermodynamic stability) indicates that this missense variant is not expected to disrupt DYNC2H1 protein function with a negative predictive value of 95%. In summary, the available evidence is currently insufficient to determine the role of this variant in disease. Therefore, it has been classified as a Variant of Uncertain Significance.